The following is an entry in ClinVar:

ClinVar aggregate classification (germline): Likely pathogenic (1 of 4 stars; one submission).

Conditions:
UBTF-related disorder. Also called: UBTF-related condition.

Submission:

Molecular Genetics Laboratory, Motol Hospital
Classification: Likely pathogenic for UBTF-related condition. Last evaluated: 2025-12-17. Review status: criteria provided, single submitter. Criteria: ACMG Guidelines, 2015. Collection method: clinical testing. Allele origin: de novo. Affected: yes.
Comment: Not present in gnomAD (v4.1.0), dbSNP or ClinVar (PM2). Rare truncating variants affecting the UBTF gene are associated with autosomal dominant global developmental delay and distinctive facial features without neuroregression (PMID: 39366741;PMID:40639945), whereas mainly missense variants are associated with phenotypically distinct autosomal dominant childhood-onset neurodegeneration with brain atrophy (CONDBA; MIM:617672) (PVS1). To conclude, the variant c.648dup is classified as likely pathogenic (PVS1, PM2, PS2).

Literature cited by the submitters: PubMed 39366741; PubMed 40639945.

NM_014233.4(UBTF):c.648dup (p.Val217fs)

Genes: ATXN7L3-AS1 (ATXN7L3 antisense RNA 1; plus strand), UBTF (upstream binding transcription factor; minus strand). Cytogenetic location: 17q21.31.
Variant type: Duplication.
Coding change: c.648dup on transcript NM_014233.4 (MANE Select); coding-DNA position 648, one base duplicated (A; older notation c.648dupA).
Protein change: p.Val217fs; shifts the reading frame from valine 217.
Molecular consequence: frameshift variant. On other transcripts: non-coding transcript variant (1).
Genome position (GRCh38, 1-based): chr17:44,212,831, T duplicated on the plus strand (A on the coding strand, the reverse complement: UBTF is on the minus strand); the first of 3 consecutive T bases (chr17:44,212,831-44,212,833); duplicating any one gives the same sequence. VCF-style (leftmost placement, unchanged base first): chr17-44212830-C-CT. GRCh37 (hg19) VCF-style: chr17-42290198-C-CT.
Other names: c.648dup, p.Val217fs (NM_001076683.2, NM_001076684.3); short protein forms V217fs.
Identifiers: ClinVar variation 4538469 (VCV004538469.1).